The following is an entry in ClinVar:

NM_025233.7(COASY):c.1040C>T (p.Pro347Leu)

Gene: COASY (Coenzyme A synthase; plus strand). Cytogenetic location: 17q21.2.
Variant type: single nucleotide variant.
Coding change: c.1040C>T on transcript NM_025233.7 (MANE Select); coding-DNA position 1040, C replaced by T.
Protein change: p.Pro347Leu; replaces proline 347 with leucine.
Molecular consequence: missense variant.
Genome position (GRCh38, 1-based): chr17:42,564,570, C>T. VCF-style: chr17-42564570-C-T. GRCh37 (hg19) VCF-style: chr17-40716588-C-T.
Other names: c.1040C>T, p.Pro347Leu (NM_001042529.3); c.1127C>T, p.Pro376Leu (NM_001042532.4); c.1127C>T (NM_001042532.2); short protein forms P376L, P347L.
Identifiers: ClinVar variation 855594 (VCV000855594.6), dbSNP rs145315110, ClinGen allele CA8578169.
Genomic context (GRCh38, chr17:42,564,570, plus strand): 5'-AAGAGGACAAAGTCAGCTCCTCCAGCTTCCGCCAGCGAATGTTGGGGAACCTGCTTCGGC[C>T]TCCATATGTAAGCTCCTCTCCCTCCTTCCCTCCTGCTTGGTGTCCTGGCAATGCTGGAGA-3'
Protein context (NP_079509.5, residues 337-357): RQRMLGNLLR[Pro347Leu]PYERPELPTC

ClinVar aggregate classification (germline): Uncertain significance. Review status: criteria provided, multiple submitters, no conflicts (2 of 4 stars). 2 submissions from 2 submitters: Uncertain significance (2). Last evaluated 2022-08-30.

Conditions:
Neurodegeneration with brain iron accumulation 6 (NBIA6). Also called: COASY protein-associated neurodegeneration. Identifiers: Orphanet 397725, MedGen C4517377, MONDO:0014290, OMIM 615643.

Allele frequency attached by ClinVar (database versions not stated): ExAC 0.00005; gnomAD exomes 0.00006; TOPMed 0.00006; gnomAD 0.00008 and 0.00009; ESP Exome Variant Server 0.00015; 1000 Genomes Project 30x 0.00031; 1000 Genomes Project 0.00040.
gnomAD v4.1: 103 of 1,612,104 alleles (0.0064%); highest among the groups gnomAD compares: Middle Eastern, 0.017%; no homozygotes.

Submissions (2):

Labcorp Genetics (formerly Invitae), Labcorp
Classification: Uncertain significance for Neurodegeneration with brain iron accumulation 6. Last evaluated: 2022-08-30. Review status: criteria provided, single submitter. Criteria: Invitae Variant Classification Sherloc (09022015). Collection method: clinical testing. Allele origin: germline.
Comment: This sequence change replaces proline, which is neutral and non-polar, with leucine, which is neutral and non-polar, at codon 347 of the COASY protein (p.Pro347Leu). This variant is present in population databases (rs145315110, gnomAD 0.01%). This variant has not been reported in the literature in individuals affected with COASY-related conditions. ClinVar contains an entry for this variant (Variation ID: 855594). Algorithms developed to predict the effect of missense changes on protein structure and function are either unavailable or do not agree on the potential impact of this missense change (SIFT: "Deleterious"; PolyPhen-2: "Possibly Damaging"; Align-GVGD: "Class C0"). In summary, the available evidence is currently insufficient to determine the role of this variant in disease. Therefore, it has been classified as a Variant of Uncertain Significance.

Ambry Genetics
Classification: Uncertain significance. Last evaluated: 2021-12-07. Review status: criteria provided, single submitter. Criteria: Ambry Variant Classification Scheme 2023. Collection method: clinical testing. Allele origin: germline.